The following continues an entry in ClinVar:

NM_000218.3(KCNQ1):c.1781G>A (p.Arg594Gln)

Gene: KCNQ1. ClinVar aggregate classification (germline): Pathogenic/Likely pathogenic. Pathogenic (18); Likely pathogenic (5).

Submissions 20 to 26 of 26:

Human Genome Sequencing Center Clinical Lab, Baylor College of Medicine
Classification: Pathogenic for Long QT syndrome 1; Jervell and Lange-Nielsen syndrome 1. Last evaluated: 2019-02-21. Review status: criteria provided, single submitter. Criteria: ACMG Guidelines, 2015. Collection method: clinical testing. Allele origin: germline.
Comment: The c.1781G>A (p.Arg594Gln) variant in the KCNQ1 gene has been reported in multiple unrelated individuals affected with long QT Syndrome (PMID 10973849, 15051636, 19716085, 23124029, 25453094, 27041096) and is extremely rare in general population. This variant has also been reported in compound heterozygous state in one individual affected with Jervell and Lange-Nielsen syndrome (PMID 11530100). Experimental studies have shown that this missense change results in reduction or loss of channel function (PMID 15051636,15140888, 25453094). Arg594 is highly conserved and multiple lines of algorithms predict deleterious effect of the p.Arg594Gln change. Therefore, we classify this c.1781G>A (p.594Gln) variant in the KCNQ1 gene as pathogenic.

Stanford Center for Inherited Cardiovascular Disease, Stanford University
Classification: Likely pathogenic. Last evaluated: 2015-07-23. Review status: criteria provided, single submitter. Criteria: ACMG Guidelines, 2015. Collection method: provider interpretation. Allele origin: germline.

Center for Genomics, Ann and Robert H. Lurie Children's Hospital of Chicago
Classification: Pathogenic for Short QT syndrome type 2; Atrial fibrillation, familial, 3; Long QT syndrome 1; Jervell and Lange-Nielsen syndrome 1. Review status: criteria provided, single submitter. Criteria: ACMG Guidelines, 2015. Collection method: clinical testing. Allele origin: germline.
Comment: KCNQ1 NM_000218.2 exon 15 p.Arg594Gln (c.1781G>A): This variant has been reported in the literature in several individuals with LQTS, segregating with disease in at least two affected family members (Splawski 2000 PMID:10973849, Huang 2001 PMID:11530100, Jongbloed 2002 PMID:12402336, Westenskow 2004 PMID:15051636, Tester 2005 PMID:15840476, Tester 2006 PMID:16818214, Chung 2007 PMID:17905336, Kapplinger 2009 PMID:19716085, Giudicessi 2012 PMID:22949429). This variant is present in 0.005% (6/128990) of European alleles in the Genome Aggregation Database. Please note, disease causing variants may be present in control databases at low frequencies, reflective of the general population and/or variable expressivity. This variant is also present in ClinVar, with several labs classifying this variant as pathogenic or likely pathogenic (Variation ID:53018). Evolutionary conservation and computational predictive tools support that this variant may impact the protein. In addition, functional studies have shown a deleterious effect of this variant through abnormal protein trafficking and loss of channel function (Huang 2001 PMID:11530100, Wentenskow 2004 PMID:15051636, Wilson 2005 PMID:15935335, Zhang 2014 PMID:25453094). In summary, this variant is classified as pathogenic based on the data above.

Juno Genomics, Hangzhou Juno Genomics, Inc
Classification: Pathogenic for Long QT syndrome 1. Review status: criteria provided, single submitter. Criteria: ACMG Guidelines, 2015. Collection method: clinical testing. Allele origin: germline.
Comment: Well-established in vitro or in vivo functional studies supportive of a damaging effect on the gene or gene product.;The prevalence of the variant in affected individuals is significantly increased compared to the prevalence in controls.;For recessive disorders, detected in trans with a pathogenic variant.

Cardiovascular Biomedical Research Unit, Royal Brompton & Harefield NHS Foundation Trust
No classification provided. Condition: Familial long QT syndrome. Review status: no classification provided. Collection method: literature only. Allele origin: germline. Not counted in ClinVar's aggregate classification.
Comment: This variant has been reported as associated with Long QT syndrome in the following publications (PMID:10973849;PMID:11530100;PMID:12402336;PMID:14678125;PMID:15051636;PMID:15840476;PMID:16818214;PMID:17329209;PMID:17905336;PMID:19716085;PMID:19841300;PMID:11140949;PMID:17470695;PMID:17329207;PMID:15935335). This is a literature report, and does not necessarily reflect the clinical interpretation of the Imperial College / Royal Brompton Cardiovascular Genetics laboratory.

Clinical Genetics, Academic Medical Center
Classification: Pathogenic. Review status: no assertion criteria provided. Collection method: clinical testing. Allele origin: germline. Affected: yes. Study: VKGL Data-share Consensus. Not counted in ClinVar's aggregate classification.

Joint Genome Diagnostic Labs from Nijmegen and Maastricht, Radboudumc and MUMC+
Classification: Pathogenic. Review status: no assertion criteria provided. Collection method: clinical testing. Allele origin: germline. Affected: yes. Study: VKGL Data-share Consensus. Not counted in ClinVar's aggregate classification.

Literature cited by the submitters: PubMed 10973849 (cited by 10 submitters); PubMed 15051636 (cited by 8 submitters); PubMed 15140888 (cited by 3 submitters); PubMed 19716085 (cited by 7 submitters); PubMed 25453094 (cited by 8 submitters); PubMed 33777698 (cited by Ambry Genetics); PubMed 11530100 (cited by 6 submitters); PubMed 12402336 (cited by 5 submitters); PubMed 15840476 (cited by 5 submitters); PubMed 16818214 (cited by 5 submitters); PubMed 17905336 (cited by 7 submitters); PubMed 24218437 (cited by 5 submitters); PubMed 15935335 (cited by 8 submitters); PubMed 20662986 (cited by 4 submitters); PubMed 39969993 (cited by Variantyx, Inc.); PubMed 22949429 (cited by 5 submitters); PubMed 17224687 (cited by 3billion); PubMed 11140949 (cited by 4 submitters); PubMed 14678125 (cited by 4 submitters); PubMed 17470695 (cited by 4 submitters); PubMed 19841300 (cited by 3 submitters); PubMed 24912595 (cited by 4 submitters); PubMed 27041096 (cited by Color Diagnostics, LLC DBA Color Health and All of Us Research Program, National Institutes of Health); PubMed 29677589 (cited by 3 submitters); PubMed 32421437 (cited by Color Diagnostics, LLC DBA Color Health and All of Us Research Program, National Institutes of Health); PubMed 32893267 (cited by Color Diagnostics, LLC DBA Color Health); PubMed 19632626 (cited by Victorian Clinical Genetics Services, Murdoch Childrens Research Institute); PubMed 20301308 (cited by Victorian Clinical Genetics Services, Murdoch Childrens Research Institute); PubMed 28438721 (cited by Victorian Clinical Genetics Services, Murdoch Childrens Research Institute); PubMed 17329207 (cited by AiLife Diagnostics and Cardiovascular Biomedical Research Unit, Royal Brompton & Harefield NHS Foundation Trust); PubMed 34135346 (cited by AiLife Diagnostics); PubMed 31737537 (cited by AiLife Diagnostics); PubMed 30974404 (cited by AiLife Diagnostics); PubMed 32686758 (cited by AiLife Diagnostics); PubMed 33087929 (cited by AiLife Diagnostics); PubMed 31447099 (cited by AiLife Diagnostics); PubMed 22199116 (cited by Women's Health and Genetics/Laboratory Corporation of America, LabCorp); PubMed 17329209 (cited by Cardiovascular Biomedical Research Unit, Royal Brompton & Harefield NHS Foundation Trust); PubMed 22581653 (cited by Cardiovascular Biomedical Research Unit, Royal Brompton & Harefield NHS Foundation Trust).